The following is an entry in ClinVar:

NM_001320458.2(WNT9B):c.912T>C (p.Ser304=)

Genes: LRRC37A2 (leucine rich repeat containing 37 member A2), WNT9B (Wnt family member 9B; plus strand). Cytogenetic location: 17q21.32.
Variant type: single nucleotide variant.
Coding change: c.912T>C on transcript NM_001320458.2; coding-DNA position 912, T replaced by C.
Protein change: p.Ser304=; no amino-acid change (serine 304 retained).
Molecular consequence: synonymous variant.
Genome position (GRCh38, 1-based): chr17:46,885,041, T>C. VCF-style: chr17-46885041-T-C. GRCh37 (hg19) VCF-style: chr17-44962407-T-C.
Identifiers: ClinVar variation 3044329 (VCV003044329.3), dbSNP rs75949701, ClinGen allele CA8621073.
Genomic context (GRCh38, chr17:46,885,041, plus strand): 5'-TTTATATTTCCTTAGCTTTTTTTTTTAGACGAAGTCTTGTTCTTGTTGCGCAGGTTGGAG[T>C]GCAGTGGCAAGATCTCAGCTCATCACAACCTCCACCTCCCGGATTCAAGCGATTCTCCCG-3'

ClinVar aggregate classification (germline): Likely benign. Review status: criteria provided, single submitter (1 of 4 stars). 2 submissions from 2 submitters: Likely benign (1). 1 of the submissions does not count toward it. Last evaluated 2026-09-01.

Conditions:
WNT9B-related disorder. Also called: WNT9B-related condition.

Allele frequency attached by ClinVar (database versions not stated): ExAC 0.00010; gnomAD exomes 0.00019; 1000 Genomes Project 0.00180; gnomAD 0.00171; TOPMed 0.00198; 1000 Genomes Project 30x 0.00219.
gnomAD v4.1: 313 of 441,464 alleles (0.071%); highest among the groups gnomAD compares: African/African-American, 0.57%; no homozygotes.

Submissions (2):

CeGaT Center for Human Genetics Tuebingen
Classification: Likely benign. Last evaluated: 2026-09-01. Review status: criteria provided, single submitter. Criteria: CeGaT Center For Human Genetics Tuebingen Variant Classification Criteria Version 2. Collection method: clinical testing. Allele origin: germline. Affected: yes. Observed: 1 variant allele.
Comment: WNT9B: BP4, BP7

PreventionGenetics, part of Exact Sciences
Classification: Likely benign for WNT9B-related condition. Last evaluated: 2019-06-07. Review status: no assertion criteria provided. Collection method: clinical testing. Allele origin: germline. Not counted in ClinVar's aggregate classification.
Comment: This variant is classified as likely benign based on ACMG/AMP sequence variant interpretation guidelines (Richards et al. 2015 PMID: 25741868, with internal and published modifications).